The following is an entry in ClinVar:

ClinVar aggregate classification (germline): Uncertain significance (1 of 4 stars; one submission).

Conditions:
Thrombocytopenia 1. Also called: X-linked thrombocytopenia with normal platelets; THROMBOCYTOPENIA, X-LINKED, 1; X-Linked Thrombocytopenia (XLT). Identifiers: Orphanet 268322, Orphanet 852, MedGen C1839163, MONDO:0010743, OMIM 313900.
X-linked severe congenital neutropenia (SCNX). Identifiers: Orphanet 86788, MedGen C1845987, MONDO:0010294, OMIM 300299.
Wiskott-Aldrich syndrome (WAS). Also called: Wiskott-aldrich syndrome, somatic; ALDRICH SYNDROME; IMMUNODEFICIENCY 2; WISKOTT-ALDRICH SYNDROME 1. Identifiers: Orphanet 906, MedGen C0043194, MONDO:0010518, OMIM 301000.

Submission:

Labcorp Genetics (formerly Invitae), Labcorp
Classification: Uncertain significance for Wiskott-Aldrich syndrome; X-linked severe congenital neutropenia; Thrombocytopenia 1. Last evaluated: 2019-05-10. Review status: criteria provided, single submitter. Criteria: Invitae Variant Classification Sherloc (09022015). Collection method: clinical testing. Allele origin: germline.
Comment: In summary, the available evidence is currently insufficient to determine the role of this variant in disease. Therefore, it has been classified as a Variant of Uncertain Significance. Algorithms developed to predict the effect of missense changes on protein structure and function (SIFT, PolyPhen-2, Align-GVGD) all suggest that this variant is likely to be tolerated, but these predictions have not been confirmed by published functional studies and their clinical significance is uncertain. This variant has not been reported in the literature in individuals with WAS-related disease. This variant is not present in population databases (ExAC no frequency). This sequence change replaces lysine with arginine at codon 230 of the WAS protein (p.Lys230Arg). The lysine residue is moderately conserved and there is a small physicochemical difference between lysine and arginine.

NM_000377.3(WAS):c.689A>G (p.Lys230Arg)

Gene: WAS (WASP actin nucleation promoting factor; plus strand). Cytogenetic location: Xp11.23.
Variant type: single nucleotide variant.
Coding change: c.689A>G on transcript NM_000377.3 (MANE Select); coding-DNA position 689, A replaced by G.
Protein change: p.Lys230Arg; replaces lysine 230 with arginine.
Molecular consequence: missense variant.
Genome position (GRCh38, 1-based): chrX:48,686,910, A>G. VCF-style: chrX-48686910-A-G. GRCh37 (hg19) VCF-style: chrX-48545299-A-G.
Other names: short protein forms K230R.
Identifiers: ClinVar variation 574035 (VCV000574035.9), dbSNP rs1569493872, ClinGen allele CA412870915.